The following is an entry in ClinVar:

NM_000138.5(FBN1):c.2727A>G (p.Glu909=)

Gene: FBN1 (fibrillin 1; minus strand). Cytogenetic location: 15q21.1.
Variant type: single nucleotide variant.
Coding change: c.2727A>G on transcript NM_000138.5 (MANE Select); coding-DNA position 2727, A replaced by G.
Protein change: p.Glu909=; no amino-acid change (glutamic acid 909 retained).
Molecular consequence: synonymous variant.
Genome position (GRCh38, 1-based): chr15:48,494,205, T>C on the plus strand (A>G on the coding strand, the complement: FBN1 is on the minus strand). VCF-style: chr15-48494205-T-C. GRCh37 (hg19) VCF-style: chr15-48786402-T-C.
Other names: c.2727A>G, p.Glu909= (NM_001406716.1).
Identifiers: ClinVar variation 2020807 (VCV002020807.4), dbSNP rs2043583978, ClinGen allele CA490021512.
Genomic context (GRCh38, chr15:48,494,205, plus strand): 5'-TTAACACAAACATTCATTATGCACACAAAAATGTATGGTTTATAAGTAATCAGAAATACC[T>C]TCACATTGTGTTCCTTTAATTCTTGAGTACCCTTTACCACATATGGGATCTGTAATAAAA-3'
Protein context (NP_000129.3, residues 899-919): GYSRIKGTQC[Glu909=]DIDECEVFPG

ClinVar aggregate classification (germline): Uncertain significance (1 of 4 stars; one submission).

Conditions:
Familial thoracic aortic aneurysm and aortic dissection (TAAD). Also called: Thoracic aortic aneurysms and dissections. Identifiers: Orphanet 91387, MedGen C4707243, MONDO:0019625.
Marfan syndrome (MFS). Also called: MARFAN SYNDROME, TYPE I; Marfan syndrome type 1; Marfan's syndrome; Marfan syndrome, classic; FBN1-Related Marfan Syndrome. Identifiers: Orphanet 284963, Orphanet 558, MedGen C0024796, MONDO:0007947, OMIM 154700.

Submission:

Labcorp Genetics (formerly Invitae), Labcorp
Classification: Uncertain significance for Marfan syndrome; Familial thoracic aortic aneurysm and aortic dissection. Last evaluated: 2022-07-30. Review status: criteria provided, single submitter. Criteria: Invitae Variant Classification Sherloc (09022015). Collection method: clinical testing. Allele origin: germline.
Comment: In summary, the available evidence is currently insufficient to determine the role of this variant in disease. Therefore, it has been classified as a Variant of Uncertain Significance. Algorithms developed to predict the effect of sequence changes on RNA splicing suggest that this variant may disrupt the consensus splice site. This variant has been observed in individual(s) with clinical features of FBN1-related conditions (Invitae). This variant is not present in population databases (gnomAD no frequency). This sequence change affects codon 909 of the FBN1 mRNA. It is a 'silent' change, meaning that it does not change the encoded amino acid sequence of the FBN1 protein. It affects a nucleotide within the consensus splice site.